The following is an entry in ClinVar:

ClinVar aggregate classification (germline): Uncertain significance. Review status: criteria provided, single submitter (1 of 4 stars). 2 submissions from 2 submitters: Uncertain significance (1). 1 of the submissions does not count toward it. Last evaluated 2025-09-12.

Conditions:
MYO5B-related disorder. Also called: MYO5B-related condition.

gnomAD v4.1: 6 of 1,613,862 alleles (0.00037%); highest among the groups gnomAD compares: Admixed American, 0.0033%; no homozygotes.

Submissions (2):

Labcorp Genetics (formerly Invitae), Labcorp
Classification: Uncertain significance. Last evaluated: 2025-09-12. Review status: criteria provided, single submitter. Criteria: Invitae Variant Classification Sherloc (09022015). Collection method: clinical testing. Allele origin: germline.
Comment: This sequence change replaces arginine, which is basic and polar, with leucine, which is neutral and non-polar, at codon 829 of the MYO5B protein (p.Arg829Leu). This variant is present in population databases (no rsID available, gnomAD 0.006%). This variant has not been reported in the literature in individuals affected with MYO5B-related conditions. ClinVar contains an entry for this variant (Variation ID: 3347770). Invitae Evidence Modeling of protein sequence and biophysical properties (such as structural, functional, and spatial information, amino acid conservation, physicochemical variation, residue mobility, and thermodynamic stability) has been performed for this missense variant. However, the output from this modeling did not meet the statistical confidence thresholds required to predict the impact of this variant on MYO5B protein function. In summary, the available evidence is currently insufficient to determine the role of this variant in disease. Therefore, it has been classified as a Variant of Uncertain Significance.

PreventionGenetics, part of Exact Sciences
Classification: Uncertain significance for MYO5B-related condition. Last evaluated: 2024-05-15. Review status: no assertion criteria provided. Collection method: clinical testing. Allele origin: germline. Not counted in ClinVar's aggregate classification.
Comment: The MYO5B c.2486G>T variant is predicted to result in the amino acid substitution p.Arg829Leu. To our knowledge, this variant has not been reported in the literature. This variant is reported in 0.0058% of alleles in individuals of Latino descent in gnomAD. At this time, the clinical significance of this variant is uncertain due to the absence of conclusive functional and genetic evidence.

NM_001080467.3(MYO5B):c.2486G>T (p.Arg829Leu)

Gene: MYO5B (myosin VB; minus strand). Cytogenetic location: 18q21.1.
Variant type: single nucleotide variant.
Coding change: c.2486G>T on transcript NM_001080467.3 (MANE Select); coding-DNA position 2486, G replaced by T.
Protein change: p.Arg829Leu; replaces arginine 829 with leucine.
Molecular consequence: missense variant.
Genome position (GRCh38, 1-based): chr18:49,904,757, C>A on the plus strand (G>T on the coding strand, the complement: MYO5B is on the minus strand). VCF-style: chr18-49904757-C-A. GRCh37 (hg19) VCF-style: chr18-47431127-C-A.
Other names: short protein forms R829L.
Identifiers: ClinVar variation 3347770 (VCV003347770.2).